The following is an entry in ClinVar:

NM_001136035.4(TRMT1):c.85C>G (p.Pro29Ala)

Gene: TRMT1 (tRNA methyltransferase 1; minus strand). Cytogenetic location: 19p13.13.
Variant type: single nucleotide variant.
Coding change: c.85C>G on transcript NM_001136035.4 (MANE Select); coding-DNA position 85, C replaced by G.
Protein change: p.Pro29Ala; replaces proline 29 with alanine.
Molecular consequence: missense variant. On other transcripts: 5 prime UTR variant (2).
Genome position (GRCh38, 1-based): chr19:13,116,315, G>C on the plus strand (C>G on the coding strand, the complement: TRMT1 is on the minus strand). VCF-style: chr19-13116315-G-C. GRCh37 (hg19) VCF-style: chr19-13227129-G-C.
Other names: c.85C>G, p.Pro29Ala (NM_001142554.3, NM_001351760.2, NM_017722.5); c.-24C>G (NM_001351761.2); c.-779C>G (NM_001351762.2); short protein forms P29A.
Identifiers: ClinVar variation 2382343 (VCV002382343.4), dbSNP rs373671146, ClinGen allele CA9238166.
Genomic context (GRCh38, chr19:13,116,315, plus strand): 5'-GACGTTCTTCTCCGTAGGGCCCGGTGCCGTTCTCCATCGCTGCTGTATTCGGCAGCCCTG[G>C]AGACTGCCACTCGAAAAACCGGGCTCTAGAGAGCACCCGGGCGGAGCGGAAAGTGAGGCT-3'
Protein context (NP_001129507.1, residues 19-39): SRARFFEWQS[Pro29Ala]GLPNTAAMEN

ClinVar aggregate classification (germline): Uncertain significance. Review status: criteria provided, multiple submitters, no conflicts (2 of 4 stars). 2 submissions from 2 submitters: Uncertain significance (2). Last evaluated 2025-05-17.

Conditions:
Inborn genetic diseases. Identifiers: MedGen C0950123, MeSH D030342.

Allele frequency attached by ClinVar (database versions not stated): ExAC 0.00007; gnomAD 0.00026; TOPMed 0.00028; ESP Exome Variant Server 0.00015.
gnomAD v4.1: 70 of 1,613,872 alleles (0.0043%); highest among the groups gnomAD compares: African/African-American, 0.087%; no homozygotes.

Submissions (2):

Ambry Genetics
Classification: Uncertain significance for Inborn genetic diseases. Last evaluated: 2025-05-17. Review status: criteria provided, single submitter. Criteria: Ambry Variant Classification Scheme 2023. Collection method: clinical testing. Allele origin: germline.

GeneDx
Classification: Uncertain significance. Last evaluated: 2022-11-18. Review status: criteria provided, single submitter. Criteria: GeneDx Variant Classification Process June 2021. Collection method: clinical testing. Allele origin: germline. Affected: yes.
Comment: In silico analysis supports that this missense variant does not alter protein structure/function; Has not been previously published as pathogenic or benign to our knowledge